The following is an entry in ClinVar:

ClinVar aggregate classification (germline): Uncertain significance. Review status: criteria provided, multiple submitters, no conflicts (2 of 4 stars). 2 submissions from 2 submitters: Uncertain significance (2). Last evaluated 2026-01-08.

Conditions:
Familial cold autoinflammatory syndrome 3 (FCAS3). Also called: FAMILIAL ATYPICAL COLD URTICARIA; ANTIBODY DEFICIENCY AND IMMUNE DYSREGULATION, PLCG2-ASSOCIATED. Identifiers: Orphanet 300359, MedGen C3280914, MONDO:0013766, OMIM 614468.

gnomAD v4.1: 24 of 1,613,362 alleles (0.0015%); highest among the groups gnomAD compares: Admixed American, 0.0083%; no homozygotes.

Submissions (2):

Labcorp Genetics (formerly Invitae), Labcorp
Classification: Uncertain significance for Familial cold autoinflammatory syndrome 3. Last evaluated: 2026-01-08. Review status: criteria provided, single submitter. Criteria: Invitae Variant Classification Sherloc (09022015). Collection method: clinical testing. Allele origin: germline.
Comment: This sequence change replaces threonine, which is neutral and polar, with methionine, which is neutral and non-polar, at codon 1016 of the PLCG2 protein (p.Thr1016Met). This variant is present in population databases (rs755551138, gnomAD 0.009%). This variant has not been reported in the literature in individuals affected with PLCG2-related conditions. An algorithm developed to predict the effect of missense changes on protein structure and function (PolyPhen-2) suggests that this variant is likely to be disruptive. In summary, the available evidence is currently insufficient to determine the role of this variant in disease. Therefore, it has been classified as a Variant of Uncertain Significance.

Blueprint Genetics
Classification: Uncertain significance. Last evaluated: 2024-06-10. Review status: criteria provided, single submitter. Criteria: ACMG Guidelines, 2015. Collection method: clinical testing. Allele origin: germline.

NM_002661.5(PLCG2):c.3047C>T (p.Thr1016Met)

Gene: PLCG2 (phospholipase C gamma 2; plus strand). Cytogenetic location: 16q23.3.
Variant type: single nucleotide variant.
Coding change: c.3047C>T on transcript NM_002661.5 (MANE Select); coding-DNA position 3047, C replaced by T.
Protein change: p.Thr1016Met; replaces threonine 1016 with methionine.
Molecular consequence: missense variant.
Genome position (GRCh38, 1-based): chr16:81,936,373, C>T. VCF-style: chr16-81936373-C-T. GRCh37 (hg19) VCF-style: chr16-81969978-C-T.
Other names: c.3047C>T, p.Thr1016Met (NM_001425749.1, NM_001425750.1, NM_001425751.1); short protein forms T1016M.
Identifiers: ClinVar variation 4721187 (VCV004721187.2).